The following is an entry in ClinVar:

NM_001267550.2(TTN):c.103831A>G (p.Ile34611Val)

Genes: TTN (titin; minus strand), TTN-AS1 (TTN antisense RNA 1; plus strand). Cytogenetic location: 2q31.2.
Variant type: single nucleotide variant.
Coding change: c.103831A>G on transcript NM_001267550.2 (MANE Select); coding-DNA position 103831, A replaced by G.
Protein change: p.Ile34611Val; replaces isoleucine 34611 with valine.
Molecular consequence: missense variant.
Genome position (GRCh38, 1-based): chr2:178,532,784, T>C on the plus strand (A>G on the coding strand, the complement: TTN is on the minus strand). VCF-style: chr2-178532784-T-C. GRCh37 (hg19) VCF-style: chr2-179397511-T-C.
Other names: c.98908A>G, p.Ile32970Val (NM_001256850.1); c.76636A>G, p.Ile25546Val (NM_003319.4); c.96127A>G, p.Ile32043Val (NM_133378.4); c.77011A>G, p.Ile25671Val (NM_133432.3); c.77212A>G, p.Ile25738Val (NM_133437.4); short protein forms I25546V, I32970V, I34611V, I25738V, I25671V, I32043V.
Identifiers: ClinVar variation 1979998 (VCV001979998.2), dbSNP rs763896341, ClinGen allele CA1985538.

ClinVar aggregate classification (germline): Uncertain significance (1 of 4 stars; one submission).

Conditions:
Dilated cardiomyopathy 1G (CMD1G). Identifiers: Orphanet 154, MedGen C1858763, MONDO:0011400, OMIM 604145.
Autosomal recessive limb-girdle muscular dystrophy type 2J (LGMDR10). Also called: Limb-girdle muscular dystrophy, type 2J; MUSCULAR DYSTROPHY, LIMB-GIRDLE, AUTOSOMAL RECESSIVE 10. Identifiers: Orphanet 140922, MedGen C1837342, MONDO:0012127, OMIM 608807.

Allele frequency attached by ClinVar (database versions not stated): gnomAD exomes below 0.00001; ExAC 0.00001; gnomAD 0.00001; TOPMed 0.00001.

Submission:

Labcorp Genetics (formerly Invitae), Labcorp
Classification: Uncertain significance for Dilated cardiomyopathy 1G; Autosomal recessive limb-girdle muscular dystrophy type 2J. Last evaluated: 2021-11-29. Review status: criteria provided, single submitter. Criteria: Invitae Variant Classification Sherloc (09022015). Collection method: clinical testing. Allele origin: germline.
Comment: This variant is located in the M band of TTN (PMID: 25589632). Variants in this region may be relevant for neuromuscular disorders, but have not been definitively shown to cause cardiomyopathy (PMID: 23975875). In summary, the available evidence is currently insufficient to determine the role of this variant in disease. Therefore, it has been classified as a Variant of Uncertain Significance. Experimental studies and prediction algorithms are not available or were not evaluated, and the functional significance of this variant is currently unknown. This variant has not been reported in the literature in individuals affected with TTN-related conditions. This variant is present in population databases (rs763896341, gnomAD 0.007%). This sequence change replaces isoleucine, which is neutral and non-polar, with valine, which is neutral and non-polar, at codon 34611 of the TTN protein (p.Ile34611Val).

Literature cited by the submitters: PubMed 25589632; PubMed 23975875.